The following is an entry in ClinVar:

ClinVar aggregate classification (germline): Pathogenic. Review status: criteria provided, multiple submitters, no conflicts (2 of 4 stars). 7 submissions from 7 submitters: Pathogenic (7). Last evaluated 2026-02-02.
ClinVar aggregate classification (somatic clinical impact): Tier II - Potential (1 of 4 stars; one submission).

Conditions:
Café-au-lait macules with pulmonary stenosis (WTSN). Also called: PULMONIC STENOSIS WITH CAFE-AU-LAIT SPOTS. Identifiers: MedGen C0553586, MONDO:0008672, OMIM 193520.
Juvenile myelomonocytic leukemia (JMML). Also called: LEUKEMIA, JUVENILE MYELOMONOCYTIC, SOMATIC. Identifiers: Orphanet 86834, MedGen C0349639, MONDO:0011908, OMIM 607785, HP:0012209.
Neurofibromatosis, type 1 (NF1). Also called: NEUROFIBROMATOSIS, TYPE I, SOMATIC; VON RECKLINGHAUSEN DISEASE; Peripheral type neurofibromatosis; Neurofibromatosis, type I. Identifiers: Orphanet 636, MedGen C0027831, MONDO:0018975, OMIM 162200. Disease mechanism: loss of function.
Neurofibromatosis-Noonan syndrome (NFNS). Also called: NEUROFIBROMATOSIS WITH NOONAN PHENOTYPE. Identifiers: Orphanet 638, MedGen C2931482, MONDO:0011035, OMIM 601321. Disease mechanism: loss of function.
Neurofibromatosis, familial spinal (FSNF). Identifiers: Orphanet 636, MedGen C1834235, MONDO:0008078, OMIM 162210. Disease mechanism: loss of function.
Diffuse astrocytoma, MYB- or MYBL1-altered. Identifiers: MedGen CN372174, MONDO:0859615.

Submissions (8):

Labcorp Genetics (formerly Invitae), Labcorp
Classification: Pathogenic for Neurofibromatosis, type 1. Last evaluated: 2026-02-02. Review status: criteria provided, single submitter. Criteria: Invitae Variant Classification Sherloc (09022015). Collection method: clinical testing. Allele origin: germline.
Comment: This sequence change creates a premature translational stop signal (p.Val341Cysfs*12) in the NF1 gene. It is expected to result in an absent or disrupted protein product. Loss-of-function variants in NF1 are known to be pathogenic (PMID: 10712197, 23913538). This variant is not present in population databases (gnomAD no frequency). This premature translational stop signal has been observed in individual(s) with a clinical diagnosis or suspicion of neurofibromatosis type 1 (PMID: 18546366). Invitae Evidence Modeling of clinical and family history, age, sex, and reported ancestry of multiple individuals with this NF1 variant has been performed. This variant is expected to be pathogenic with a positive predictive value of at least 99%. This is a validated machine learning model that incorporates the clinical features of 1,785,918 individuals referred to our laboratory for NF1 testing. ClinVar contains an entry for this variant (Variation ID: 545745). Algorithms developed to predict the effect of sequence changes on RNA splicing suggest that this variant may disrupt the consensus splice site. For these reasons, this variant has been classified as Pathogenic.

Institute for Genomic Medicine (IGM) Clinical Laboratory, Nationwide Children's Hospital
Classification: Tier II - Potential for Diffuse astrocytoma, MYB- or MYBL1-altered. Assertion type: diagnostic. Clinical significance: supports diagnosis. Last evaluated: 2025-10-02. Review status: criteria provided, single submitter. Criteria: AMP/ASCO/CAP Guidelines, 2017. Collection method: clinical testing. Allele origin: somatic. Affected: yes.
Comment: Variant has Tier II (potential) clinical significance as a diagnostic inclusion criterion in diffuse astrocytoma, MYB- or MYBL1-altered, based on the following evidence: 1) Documented in one or more cancer databases (e.g., St. Jude Pecan, COSMIC, CIViC, OncoKB). 2) Information in the literature supports potential biologic effect of variant (PMIDs: 19573811, 24576830, 8563751, 7542586, 8052307, 12509763). 3) Diagnostic significance based on multiple small studies (Evidence Level C; PMIDs: 38195220, 34185076, 23222849, 1568247, 28912153, 32055852, 27263935, 22155606).

Dubai Health Genomic Medicine Center, Dubai Health
Classification: Pathogenic for Watson syndrome. Last evaluated: 2024-10-04. Review status: criteria provided, single submitter. Criteria: ACMG Guidelines, 2015. Collection method: research. Allele origin: germline. Affected: yes.
Comment: PVS1,PS4mod,PM2

Fulgent Genetics
Classification: Pathogenic for Neurofibromatosis, type 1; Neurofibromatosis, familial spinal; Café-au-lait macules with pulmonary stenosis; Neurofibromatosis-Noonan syndrome; Juvenile myelomonocytic leukemia. Last evaluated: 2024-02-15. Review status: criteria provided, single submitter. Criteria: ACMG Guidelines, 2015. Collection method: clinical testing. Allele origin: germline.

GeneDx
Classification: Pathogenic. Last evaluated: 2022-09-28. Review status: criteria provided, single submitter. Criteria: GeneDx Variant Classification Process June 2021. Collection method: clinical testing. Allele origin: germline. Affected: yes.
Comment: Frameshift variant predicted to result in protein truncation or nonsense mediated decay in a gene for which loss of function is a known mechanism of disease; Not observed at significant frequency in large population cohorts (gnomAD); This variant is associated with the following publications: (PMID: 26509978, 21354044, 31776437, 18546366)

Genome-Nilou Lab
Classification: Pathogenic for Neurofibromatosis, type 1. Last evaluated: 2022-03-15. Review status: criteria provided, single submitter. Criteria: ACMG Guidelines, 2015. Collection method: clinical testing. Allele origin: germline. Affected: no.

Baylor Genetics
Classification: Pathogenic for Juvenile myelomonocytic leukemia. Last evaluated: 2021-12-02. Review status: criteria provided, single submitter. Criteria: ACMG Guidelines, 2015. Collection method: clinical testing. Allele origin: unknown.

Genome Diagnostics Laboratory, The Hospital for Sick Children
Classification: Pathogenic for Neurofibromatosis, type 1. Last evaluated: 2020-10-26. Review status: criteria provided, single submitter. Criteria: ACMG Guidelines, 2015. Collection method: clinical testing. Allele origin: germline. Affected: yes.

Literature cited by the submitters: PubMed 10712197 (cited by Labcorp Genetics (formerly Invitae), Labcorp); PubMed 23913538 (cited by Labcorp Genetics (formerly Invitae), Labcorp); PubMed 18546366 (cited by Labcorp Genetics (formerly Invitae), Labcorp); PubMed 19573811 (cited by Institute for Genomic Medicine (IGM) Clinical Laboratory, Nationwide Children's Hospital); PubMed 24576830 (cited by Institute for Genomic Medicine (IGM) Clinical Laboratory, Nationwide Children's Hospital); PubMed 8563751 (cited by Institute for Genomic Medicine (IGM) Clinical Laboratory, Nationwide Children's Hospital); PubMed 7542586 (cited by Institute for Genomic Medicine (IGM) Clinical Laboratory, Nationwide Children's Hospital); PubMed 8052307 (cited by Institute for Genomic Medicine (IGM) Clinical Laboratory, Nationwide Children's Hospital); PubMed 12509763 (cited by Institute for Genomic Medicine (IGM) Clinical Laboratory, Nationwide Children's Hospital); PubMed 38195220 (cited by Institute for Genomic Medicine (IGM) Clinical Laboratory, Nationwide Children's Hospital); PubMed 34185076 (cited by Institute for Genomic Medicine (IGM) Clinical Laboratory, Nationwide Children's Hospital); PubMed 23222849 (cited by Institute for Genomic Medicine (IGM) Clinical Laboratory, Nationwide Children's Hospital); PubMed 1568247 (cited by Institute for Genomic Medicine (IGM) Clinical Laboratory, Nationwide Children's Hospital); PubMed 28912153 (cited by Institute for Genomic Medicine (IGM) Clinical Laboratory, Nationwide Children's Hospital); PubMed 32055852 (cited by Institute for Genomic Medicine (IGM) Clinical Laboratory, Nationwide Children's Hospital); PubMed 27263935 (cited by Institute for Genomic Medicine (IGM) Clinical Laboratory, Nationwide Children's Hospital); PubMed 22155606 (cited by Institute for Genomic Medicine (IGM) Clinical Laboratory, Nationwide Children's Hospital).

NM_001042492.3(NF1):c.1020dup (p.Val341fs)

Gene: NF1 (neurofibromin 1; plus strand). Cytogenetic location: 17q11.2.
Variant type: Duplication.
Coding change: c.1020dup on transcript NM_001042492.3 (MANE Select); coding-DNA position 1020, one base duplicated (T; older notation c.1020dupT).
Protein change: p.Val341fs; shifts the reading frame from valine 341.
Molecular consequence: frameshift variant.
Genome position (GRCh38, 1-based): chr17:31,200,553, T duplicated. VCF-style (leftmost placement, unchanged base first): chr17-31200552-C-CT. GRCh37 (hg19) VCF-style: chr17-29527570-C-CT.
Other names: c.1020dupT (NM_000267.3); c.1020dup, p.Val341Cysfs (NM_000267.4); c.1020dup, p.Val341fs (NM_001128147.3); short protein forms V341fs.
Identifiers: ClinVar variation 545745 (VCV000545745.21), dbSNP rs1555610905, ClinGen allele CA658825046.
Genomic context (GRCh38, chr17:31,200,552, plus strand): 5'-CTGCAATTGCCTGTGTCAAACTGTGTAAAGCAAGTACTTACATCAATTGGGAAGATAACT[C>CT]TGTCATTTTCCTACTTGTTCAGTCCATGGTGGTTGATCTTAAGGTAACATGCTTATTCTT-3'